The following is an entry in ClinVar:

ClinVar aggregate classification (germline): Conflicting classifications of pathogenicity. Review status: criteria provided, conflicting classifications (1 of 4 stars). 2 submissions from 2 submitters: Uncertain significance (1); Likely benign (1). Last evaluated 2024-07-30.

Allele frequency attached by ClinVar (database versions not stated): TOPMed 0.00008; ESP Exome Variant Server 0.00009; gnomAD 0.00013; gnomAD exomes 0.00016; ExAC 0.00019.
gnomAD v4.1: 187 of 1,209,663 alleles (0.015%); highest among the groups gnomAD compares: Non-Finnish European, 0.011%; no homozygotes.

Submissions (2):

Ambry Genetics
Classification: Uncertain significance. Last evaluated: 2024-07-30. Review status: criteria provided, single submitter. Criteria: Ambry Variant Classification Scheme 2023. Collection method: clinical testing. Allele origin: germline.

CeGaT Center for Human Genetics Tuebingen
Classification: Likely benign. Last evaluated: 2022-12-01. Review status: criteria provided, single submitter. Criteria: CeGaT Center For Human Genetics Tuebingen Variant Classification Criteria Version 2. Collection method: clinical testing. Allele origin: germline. Affected: yes. Observed: 2 variant alleles.
Comment: ITIH6: BP4, BS2

NM_198510.3(ITIH6):c.1220C>T (p.Pro407Leu)

Gene: ITIH6 (inter-alpha-trypsin inhibitor heavy chain family member 6; minus strand). Cytogenetic location: Xp11.22.
Variant type: single nucleotide variant.
Coding change: c.1220C>T on transcript NM_198510.3 (MANE Select); coding-DNA position 1220, C replaced by T.
Protein change: p.Pro407Leu; replaces proline 407 with leucine.
Molecular consequence: missense variant.
Genome position (GRCh38, 1-based): chrX:54,758,854, G>A on the plus strand (C>T on the coding strand, the complement: ITIH6 is on the minus strand). VCF-style: chrX-54758854-G-A. GRCh37 (hg19) VCF-style: chrX-54785287-G-A.
Other names: c.1220C>T (NM_198510.2); short protein forms P407L.
Identifiers: ClinVar variation 2660674 (VCV002660674.26), dbSNP rs143487597, ClinGen allele CA10426308.
Genomic context (GRCh38, chrX:54,758,854, plus strand): 5'-AAGCTGAAAAGGGATACCCTGTGGCCTAGCGCCTGACGGACATTGGAGAGGATCACACTG[G>A]GGGTCGTCACGCCGGCCGTGGGCTCCCCATCCGTCAGGAAGATGATAAGAGGGATCCTCC-3'
Protein context (NP_940912.1, residues 397-417): DGEPTAGVTT[Pro407Leu]SVILSNVRQA